The following is an entry in ClinVar:

ClinVar aggregate classification (germline): Likely pathogenic. Review status: criteria provided, multiple submitters, no conflicts (2 of 4 stars). 2 submissions from 2 submitters: Likely pathogenic (2). Last evaluated 2025-12-12.

Conditions:
Dilated cardiomyopathy 1G (CMD1G). Identifiers: Orphanet 154, MedGen C1858763, MONDO:0011400, OMIM 604145.

Submissions (2):

Center for Molecular Medicine, Children’s Hospital of Fudan University
Classification: Likely pathogenic for Dilated cardiomyopathy 1G. Last evaluated: 2025-12-12. Review status: criteria provided, single submitter. Criteria: ACMG Guidelines 2015. Collection method: clinical testing. Allele origin: unknown. Affected: yes.
Comment: PVS1+PM2_Supp

Molecular Diagnostic Laboratory for Inherited Cardiovascular Disease, Montreal Heart Institute
Classification: Likely pathogenic. Last evaluated: 2016-11-07. Review status: criteria provided, single submitter. Criteria: ACMG Guidelines, 2015. Collection method: clinical testing. Allele origin: germline. Affected: yes.

NM_001267550.2(TTN):c.40621A>T (p.Lys13541Ter)

Gene: TTN (titin; minus strand). Cytogenetic location: 2q31.2.
Variant type: single nucleotide variant.
Coding change: c.40621A>T on transcript NM_001267550.2 (MANE Select); coding-DNA position 40621, A replaced by T.
Protein change: p.Lys13541Ter; replaces lysine 13541 with a stop codon.
Molecular consequence: nonsense.
Genome position (GRCh38, 1-based): chr2:178,641,253, T>A on the plus strand (A>T on the coding strand, the complement: TTN is on the minus strand). VCF-style: chr2-178641253-T-A. GRCh37 (hg19) VCF-style: chr2-179505980-T-A.
Other names: c.35698A>T, p.Lys11900Ter (NM_001256850.1); c.13426A>T, p.Lys4476Ter (NM_003319.4); c.32917A>T, p.Lys10973Ter (NM_133378.4); c.13801A>T, p.Lys4601Ter (NM_133432.3); c.14002A>T, p.Lys4668Ter (NM_133437.4); short protein forms K13541*, K10973*, K4601*, K4476*, K11900*, K4668*.
Identifiers: ClinVar variation 520478 (VCV000520478.3), dbSNP rs869238992, ClinGen allele CA61009952.